The following is an entry in ClinVar:

NM_030928.4(CDT1):c.898C>T (p.Gln300Ter)

Gene: CDT1 (chromatin licensing and DNA replication factor 1; plus strand). Cytogenetic location: 16q24.3.
Variant type: single nucleotide variant.
Coding change: c.898C>T on transcript NM_030928.4 (MANE Select); coding-DNA position 898, C replaced by T.
Protein change: p.Gln300Ter; replaces glutamine 300 with a stop codon.
Molecular consequence: nonsense.
Genome position (GRCh38, 1-based): chr16:88,806,086, C>T. VCF-style: chr16-88806086-C-T. GRCh37 (hg19) VCF-style: chr16-88872494-C-T.
Other names: short protein forms Q300*.
Identifiers: ClinVar variation 3020976 (VCV003020976.3), dbSNP rs1403548687, ClinGen allele CA397078016.

ClinVar aggregate classification (germline): Pathogenic (1 of 4 stars; one submission).

Allele frequency attached by ClinVar (database versions not stated): TOPMed below 0.00001; gnomAD exomes 0.00001.

Submission:

Labcorp Genetics (formerly Invitae), Labcorp
Classification: Pathogenic. Last evaluated: 2023-11-19. Review status: criteria provided, single submitter. Criteria: Invitae Variant Classification Sherloc (09022015). Collection method: clinical testing. Allele origin: germline.
Comment: This sequence change creates a premature translational stop signal (p.Gln300*) in the CDT1 gene. It is expected to result in an absent or disrupted protein product. Loss-of-function variants in CDT1 are known to be pathogenic (PMID: 21358632, 22333897). The frequency data for this variant in the population databases is considered unreliable, as metrics indicate poor data quality at this position in the gnomAD database. This variant has not been reported in the literature in individuals affected with CDT1-related conditions. For these reasons, this variant has been classified as Pathogenic.

Literature cited by the submitters: PubMed 21358632; PubMed 22333897.